The following is an entry in ClinVar:

ClinVar aggregate classification (germline): other (0 of 4 stars; one submission).

Conditions:
Familial colorectal cancer. Identifiers: MedGen CN280943, MONDO:0023113. Disease mechanism: loss of function.

Submission:

Systems Biology Platform Zhejiang California International NanoSystems Institute
Classification: other for Familial colorectal cancer. Review status: no assertion criteria provided. Collection method: not provided. Allele origin: unknown.
ClinVar note: Converted during submission from cancer to other.

NC_000005.10:g.112851083C>G

Variant type: single nucleotide variant.
Genome position: GRCh38 VCF-style: chr5-112851083-C-G. GRCh37 (hg19) VCF-style: chr5-112186780-C-G.
Identifiers: ClinVar variation 82679 (VCV000082679.3), dbSNP rs74904155, ClinGen allele CA250819.